The following is an entry in ClinVar:

NM_052989.3(IFT122):c.2458A>G (p.Ser820Gly)

Gene: IFT122 (intraflagellar transport 122; plus strand). Cytogenetic location: 3q22.1.
Variant type: single nucleotide variant.
Coding change: c.2458A>G on transcript NM_052989.3 (MANE Select); coding-DNA position 2458, A replaced by G.
Protein change: p.Ser820Gly; replaces serine 820 with glycine.
Molecular consequence: missense variant.
Genome position (GRCh38, 1-based): chr3:129,502,793, A>G. VCF-style: chr3-129502793-A-G. GRCh37 (hg19) VCF-style: chr3-129221636-A-G.
Other names: c.2434A>G, p.Ser812Gly (NM_001280541.2); c.2008A>G, p.Ser670Gly (NM_001280545.2); c.1831A>G, p.Ser611Gly (NM_001280546.2); c.2281A>G, p.Ser761Gly (NM_018262.4); c.2611A>G, p.Ser871Gly (NM_052985.4); c.2125A>G, p.Ser709Gly (NM_052990.3); c.2611A>G (NM_052985.2); short protein forms S670G, S709G, S812G, S761G, S820G, S611G, S871G.
Identifiers: ClinVar variation 1499200 (VCV001499200.7), dbSNP rs755556032, ClinGen allele CA2606527.
Genomic context (GRCh38, chr3:129,502,793, plus strand): 5'-CTGGACAAGGCTGAGCGCGAGCCCCTGCTGCTGTGCGCTACCTACCTCAAGAAGCTGGAC[A>G]GCCCTGGCTATGCTGCTGAGACCTACCTGAAGATGGGTGACCTCAAGTCCCTGGTGCAGC-3'
Protein context (NP_443715.1, residues 810-830): LCATYLKKLD[Ser820Gly]PGYAAETYLK

ClinVar aggregate classification (germline): Uncertain significance. Review status: criteria provided, multiple submitters, no conflicts (2 of 4 stars). 3 submissions from 3 submitters: Uncertain significance (3). Last evaluated 2024-09-20.

Conditions:
Inborn genetic diseases. Identifiers: MedGen C0950123, MeSH D030342.
Cranioectodermal dysplasia 1 (CED1). Also called: LEVIN SYNDROME I. Identifiers: Orphanet 1515, MedGen C0432235, MONDO:0021093, OMIM 218330.

Allele frequency attached by ClinVar (database versions not stated): gnomAD exomes 0.00002 and 0.00004; ExAC 0.00003; gnomAD 0.00013 and 0.00015; TOPMed 0.00017.
gnomAD v4.1: 49 of 1,613,120 alleles (0.003%); highest among the groups gnomAD compares: African/African-American, 0.057%; no homozygotes.

Submissions (3):

Ambry Genetics
Classification: Uncertain significance for Inborn genetic diseases. Last evaluated: 2024-09-20. Review status: criteria provided, single submitter. Criteria: Ambry Variant Classification Scheme 2023. Collection method: clinical testing. Allele origin: germline.

Fulgent Genetics
Classification: Uncertain significance for Cranioectodermal dysplasia 1. Last evaluated: 2024-06-14. Review status: criteria provided, single submitter. Criteria: ACMG Guidelines, 2015. Collection method: clinical testing. Allele origin: germline.

Labcorp Genetics (formerly Invitae), Labcorp
Classification: Uncertain significance for Cranioectodermal dysplasia 1. Last evaluated: 2022-07-05. Review status: criteria provided, single submitter. Criteria: Invitae Variant Classification Sherloc (09022015). Collection method: clinical testing. Allele origin: germline.
Comment: This sequence change replaces serine, which is neutral and polar, with glycine, which is neutral and non-polar, at codon 871 of the IFT122 protein (p.Ser871Gly). This variant is present in population databases (rs755556032, gnomAD 0.05%). This variant has not been reported in the literature in individuals affected with IFT122-related conditions. ClinVar contains an entry for this variant (Variation ID: 1499200). Algorithms developed to predict the effect of missense changes on protein structure and function (SIFT, PolyPhen-2, Align-GVGD) all suggest that this variant is likely to be tolerated. In summary, the available evidence is currently insufficient to determine the role of this variant in disease. Therefore, it has been classified as a Variant of Uncertain Significance.